The following is an entry in ClinVar:

NM_017449.5(EPHB2):c.812-3C>G

Gene: EPHB2 (EPH receptor B2; plus strand). Cytogenetic location: 1p36.12.
Variant type: single nucleotide variant.
Coding change: c.812-3C>G on transcript NM_017449.5 (MANE Select); 3 bases into the intron before coding-DNA position 812, C replaced by G.
Molecular consequence: intron variant.
Genome position (GRCh38, 1-based): chr1:22,863,034, C>G. VCF-style: chr1-22863034-C-G. GRCh37 (hg19) VCF-style: chr1-23189527-C-G.
Other names: c.812-3C>G (NM_004442.7, NM_001309193.2, NM_001309192.2).
Identifiers: ClinVar variation 450348 (VCV000450348.3), dbSNP rs1553171703, ClinGen allele CA658656893.
Genomic context (GRCh38, chr1:22,863,034, plus strand): 5'-GGCTCGTGACCTCTCTGAGTCTTCATCCAGTTTCCTGGTGACTCTCCTTGTCTTCTCTCT[C>G]AGGTTGTCCATCTGGGACTTTCAAGGCCAACCAAGGGGATGAGGCCTGTACCCACTGTCC-3'

ClinVar aggregate classification (germline): Uncertain significance (1 of 4 stars; one submission).

Submission:

GeneDx
Classification: Uncertain significance. Last evaluated: 2019-06-26. Review status: criteria provided, single submitter. Criteria: GeneDx Variant Classification Process June 2021. Collection method: clinical testing. Allele origin: germline. Affected: yes.
Comment: Not observed in large population cohorts (Lek et al., 2016); In silico analysis, which includes splice predictors and evolutionary conservation, supports a deleterious effect; Has not been previously published as pathogenic or benign to our knowledge; Variants in candidate genes are classified as variants of uncertain significance in accordance with ACMG guidelines (Richards et al., 2015)